The following is an entry in ClinVar:

NM_000170.3(GLDC):c.2315+1G>C

Gene: GLDC (glycine decarboxylase; minus strand). Cytogenetic location: 9p24.1.
Variant type: single nucleotide variant.
Coding change: c.2315+1G>C on transcript NM_000170.3 (MANE Select); the canonical splice donor site of the intron after coding-DNA position 2315, G replaced by C.
Molecular consequence: splice donor variant.
Genome position (GRCh38, 1-based): chr9:6,554,668, C>G on the plus strand (G>C on the coding strand, the complement: GLDC is on the minus strand). VCF-style: chr9-6554668-C-G. GRCh37 (hg19) VCF-style: chr9-6554668-C-G.
Identifiers: ClinVar variation 3643431 (VCV003643431.2).
Genomic context (GRCh38, chr9:6,554,668, plus strand): 5'-TTAGGGCCACTCCTTCATTCTGTCTCCAAAGCCATCCTGAAACCAGCAGCCCAGAACTTA[C>G]ACTCCGATGGGCCCCATGCCAGGACCACCTCCTCCGTGGGGAATGCAGAAGGTCTTGTGA-3'

ClinVar aggregate classification (germline): Pathogenic (1 of 4 stars; one submission).

Conditions:
Glycine encephalopathy. Also called: Nonketotic hyperglycinemia; Non-ketotic hyperglycinemia. Identifiers: Orphanet 407, MedGen C0751748, MONDO:0011612, HP:0008288.

Submission:

Labcorp Genetics (formerly Invitae), Labcorp
Classification: Pathogenic for Glycine encephalopathy. Last evaluated: 2024-02-29. Review status: criteria provided, single submitter. Criteria: Invitae Variant Classification Sherloc (09022015). Collection method: clinical testing. Allele origin: germline.
Comment: This sequence change affects a donor splice site in intron 19 of the GLDC gene. It is expected to disrupt RNA splicing. Variants that disrupt the donor or acceptor splice site typically lead to a loss of protein function (PMID: 16199547), and loss-of-function variants in GLDC are known to be pathogenic (PMID: 16601880). This variant is not present in population databases (gnomAD no frequency). Disruption of this splice site has been observed in individual(s) with GLDC-related conditions (PMID: 27362913). In at least one individual the data is consistent with being in trans (on the opposite chromosome) from a pathogenic variant. Algorithms developed to predict the effect of sequence changes on RNA splicing suggest that this variant may disrupt the consensus splice site. For these reasons, this variant has been classified as Pathogenic.

Literature cited by the submitters: PubMed 16199547; PubMed 16601880; PubMed 27362913.